The following is an entry in ClinVar:

ClinVar aggregate classification (germline): Likely benign. Review status: criteria provided, multiple submitters, no conflicts (2 of 4 stars). 2 submissions from 2 submitters: Likely benign (2). Last evaluated 2023-10-04.

Conditions:
3-methylglutaconic aciduria, type VIIB (MGCA7B). Also called: CLPB Deficiency; 3-methylglutaconic aciduria, type VII, with cataracts, neurologic involvement and neutropenia; 3-methylglutaconic aciduria with cataracts, neurologic involvement and neutropenia. Identifiers: Orphanet 445038, MedGen C5676893, MONDO:0014561, OMIM 616271.

gnomAD v4.1: 1 of 1,613,856 alleles (0.000062%); highest among the groups gnomAD compares: Non-Finnish European, 0.000085%; no homozygotes.

Submissions (2):

Labcorp Genetics (formerly Invitae), Labcorp
Classification: Likely benign for 3-methylglutaconic aciduria, type VIIB. Last evaluated: 2023-10-04. Review status: criteria provided, single submitter. Criteria: Invitae Variant Classification Sherloc (09022015). Collection method: clinical testing. Allele origin: germline.

GeneDx
Classification: Likely benign. Last evaluated: 2018-04-27. Review status: criteria provided, single submitter. Criteria: GeneDx Variant Classification (06012015). Collection method: clinical testing. Allele origin: germline. Affected: yes.
Comment: This variant is considered likely benign or benign based on one or more of the following criteria: it is a conservative change, it occurs at a poorly conserved position in the protein, it is predicted to be benign by multiple in silico algorithms, and/or has population frequency not consistent with disease.

NM_001258392.3(CLPB):c.513C>G (p.Leu171=)

Gene: CLPB (ClpB family mitochondrial disaggregase; minus strand). Cytogenetic location: 11q13.4.
Variant type: single nucleotide variant.
Coding change: c.513C>G on transcript NM_001258392.3 (MANE Select); coding-DNA position 513, C replaced by G.
Protein change: p.Leu171=; no amino-acid change (leucine 171 retained).
Molecular consequence: synonymous variant. On other transcripts: intron variant (1).
Genome position (GRCh38, 1-based): chr11:72,402,995, G>C on the plus strand (C>G on the coding strand, the complement: CLPB is on the minus strand). VCF-style: chr11-72402995-G-C. GRCh37 (hg19) VCF-style: chr11-72114039-G-C.
Other names: c.378C>G, p.Leu126= (NM_001258394.3); c.513C>G, p.Leu171= (NM_030813.6); c.456-22611C>G (NM_001258393.3).
Identifiers: ClinVar variation 681924 (VCV000681924.4), dbSNP rs1017640223, ClinGen allele CA475818842.